The following is an entry in ClinVar:

NM_001267550.2(TTN):c.16121G>A (p.Cys5374Tyr)

Gene: TTN (titin; minus strand). Cytogenetic location: 2q31.2.
Variant type: single nucleotide variant.
Coding change: c.16121G>A on transcript NM_001267550.2 (MANE Select); coding-DNA position 16121, G replaced by A.
Protein change: p.Cys5374Tyr; replaces cysteine 5374 with tyrosine.
Molecular consequence: missense variant. On other transcripts: intron variant (3).
Genome position (GRCh38, 1-based): chr2:178,733,055, C>T on the plus strand (G>A on the coding strand, the complement: TTN is on the minus strand). VCF-style: chr2-178733055-C-T. GRCh37 (hg19) VCF-style: chr2-179597782-C-T.
Other names: p.Cys5057Tyr; p.Cys4130Tyr; c.15170G>A, p.Cys5057Tyr (NM_001256850.1); c.12389G>A, p.Cys4130Tyr (NM_133378.4); c.13282+5027G>A (NM_003319.4); c.13858+5027G>A (NM_133437.4); c.13657+5027G>A (NM_133432.3); short protein forms C5374Y, C4130Y, C5057Y.
Identifiers: ClinVar variation 592824 (VCV000592824.37), dbSNP rs375577529, ClinGen allele CA2002088.
Genomic context (GRCh38, chr2:178,733,055, plus strand): 5'-CCATCCTTAAACCAGGACACCCTCATGGGGAGGGAGCCTGCAATTTTGCAGTCCAGTCTG[C>T]AGGTACCATTAACAACACTATCCACGTTGCGCAAGGGTTTGGTAAAAAATGGAGCAATGT-3'
Protein context (NP_001254479.2, residues 5364-5384): RNVDSVVNGT[Cys5374Tyr]RLDCKIAGSL

ClinVar aggregate classification (germline): Conflicting classifications of pathogenicity. Review status: criteria provided, conflicting classifications (1 of 4 stars). 6 submissions from 6 submitters: Uncertain significance (5); Likely benign (1). Last evaluated 2025-08-07.

Allele frequency attached by ClinVar (database versions not stated): ExAC 0.00008; ESP Exome Variant Server 0.00008; gnomAD exomes 0.00008 and 0.00012; TOPMed 0.00008; gnomAD 0.00009 and 0.00011.
gnomAD v4.1: 192 of 1,612,574 alleles (0.012%); highest among the groups gnomAD compares: Non-Finnish European, 0.015%; no homozygotes.

Submissions (6):

Mayo Clinic Laboratories, Mayo Clinic
Classification: Uncertain significance. Last evaluated: 2025-08-07. Review status: criteria provided, single submitter. Criteria: ACMG Guidelines, 2015. Collection method: clinical testing. Allele origin: germline. Observed: 2 variant alleles.
Comment: BP4

Women's Health and Genetics/Laboratory Corporation of America, LabCorp
Classification: Uncertain significance. Last evaluated: 2024-07-02. Review status: criteria provided, single submitter. Criteria: LabCorp Variant Classification Summary - May 2015. Collection method: clinical testing. Allele origin: germline.
Comment: Variant summary: TTN c.12389G>A (p.Cys4130Tyr) results in a non-conservative amino acid change located in the I-band region of the encoded protein sequence. Four of five in-silico tools predict a damaging effect of the variant on protein function. The variant allele was found at a frequency of 8.5e-05 in 247472 control chromosomes, predominantly at a frequency of 0.00014 within the Non-Finnish European subpopulation in the gnomAD database. This frequency is not significantly higher than estimated for a pathogenic variant in TTN causing Limb-Girdle Muscular Dystrophy, Type 2J, allowing no conclusion about variant significance. c.12389G>A has been reported in the literature in one individual affected with PTEN-wildtype Bannayan-Riley-Ruvalcaba syndrome and another individual undertaking Hypertrophic cardiomyopathy panel testing (Yehia_2017, van Lint_2019). These report(s) do not provide unequivocal conclusions about association of the variant with Limb-Girdle Muscular Dystrophy, Type 2J. To our knowledge, no experimental evidence demonstrating an impact on protein function has been reported. The following publications have been ascertained in the context of this evaluation (PMID: 29263846, 30847666). ClinVar contains an entry for this variant (Variation ID: 592824). Based on the evidence outlined above, the variant was classified as uncertain significance.

CeGaT Center for Human Genetics Tuebingen
Classification: Uncertain significance. Last evaluated: 2023-10-01. Review status: criteria provided, single submitter. Criteria: CeGaT Center For Human Genetics Tuebingen Variant Classification Criteria Version 2. Collection method: clinical testing. Allele origin: germline. Affected: yes. Observed: 3 variant alleles.

Revvity Omics, Revvity
Classification: Uncertain significance. Last evaluated: 2021-10-11. Review status: criteria provided, single submitter. Criteria: ACMG Guidelines, 2015. Collection method: clinical testing. Allele origin: germline.

GeneDx
Classification: Likely benign. Last evaluated: 2018-11-20. Review status: criteria provided, single submitter. Criteria: GeneDx Variant Classification Process June 2021. Collection method: clinical testing. Allele origin: germline. Affected: yes.
Comment: This variant is associated with the following publications: (PMID: 30847666, 29263846)

Eurofins Ntd Llc (ga)
Classification: Uncertain significance. Last evaluated: 2017-07-03. Review status: criteria provided, single submitter. Criteria: EGL Classification Definitions 2015. Collection method: clinical testing. Allele origin: germline. Observed: 2 variant alleles, 2 heterozygotes.

Literature cited by the submitters: PubMed 30847666 (cited by Mayo Clinic Laboratories, Mayo Clinic and Women's Health and Genetics/Laboratory Corporation of America, LabCorp); PubMed 38612618 (cited by Mayo Clinic Laboratories, Mayo Clinic); PubMed 29263846 (cited by Women's Health and Genetics/Laboratory Corporation of America, LabCorp).